The following is an entry in ClinVar:

NC_000017.10:g.(?_722659)_(729338_?)dup

Gene: NXN (nucleoredoxin; minus strand). Cytogenetic location: 17p13.3.
Variant type: Duplication.
Identifiers: ClinVar variation 3243206 (VCV003243206.1).

ClinVar aggregate classification (germline): Likely pathogenic (1 of 4 stars; one submission).

Submission:

Labcorp Genetics (formerly Invitae), Labcorp
Classification: Likely pathogenic. Last evaluated: 2022-11-16. Review status: criteria provided, single submitter. Criteria: Invitae Variant Classification Sherloc (09022015). Collection method: clinical testing. Allele origin: unknown.
Comment: In summary, the currently available evidence indicates that the variant is pathogenic, but additional data are needed to prove that conclusively. Therefore, this variant has been classified as Likely Pathogenic. This variant has not been reported in the literature in individuals affected with NXN-related conditions. This variant results in a copy number gain of the genomic region encompassing exon(s) 2-5 of the NXN gene. While the exact position of this variant cannot be determined from the data, sub-genic copy number gains are generally in tandem (PMID: 25640679). This variant is predicted to be out-of-frame, and may result in an absent or disrupted protein product. Loss-of-function variants in NXN are known to be pathogenic (PMID: 29276006, 33048444).

Literature cited by the submitters: PubMed 25640679; PubMed 29276006; PubMed 33048444.